The following is an entry in ClinVar:

NM_001363711.2(DUOX2):c.*852T>A

Gene: DUOX2 (dual oxidase 2; minus strand). Cytogenetic location: 15q21.1.
Variant type: single nucleotide variant.
Coding change: c.*852T>A on transcript NM_001363711.2 (MANE Select); 852 bases downstream of the stop codon, T replaced by A.
Molecular consequence: 3 prime UTR variant.
Genome position (GRCh38, 1-based): chr15:45,093,298, A>T on the plus strand (T>A on the coding strand, the complement: DUOX2 is on the minus strand). VCF-style: chr15-45093298-A-T. GRCh37 (hg19) VCF-style: chr15-45385496-A-T.
Other names: c.*852T>A (NM_014080.5).
Identifiers: ClinVar variation 316125 (VCV000316125.6), dbSNP rs4775744, ClinGen allele CA10647013.
Genomic context (GRCh38, chr15:45,093,298, plus strand): 5'-TGGGCAAACTAGGACAGCTGGTCACCCAACTCTTGTGGAAGAGGGGAATTGAGATCGAGT[A>T]CTGAATATCTGGCAGAGAGGCTGGAATCCTTCAGCCCCAGAGCCCAGGGACCACTCCAGT-3'

ClinVar aggregate classification (germline): Benign. Review status: criteria provided, multiple submitters, no conflicts (2 of 4 stars). 2 submissions from 2 submitters: Benign (2). Last evaluated 2018-01-13.

Conditions:
Thyroid dyshormonogenesis 6 (TDH6). Also called: THYROID HORMONOGENESIS, GENETIC DEFECT IN, 6; Genetic transient congenital hypothyroidism; HYPOTHYROIDISM, CONGENITAL, DUE TO DYSHORMONOGENESIS, 6. Identifiers: Orphanet 226316, Orphanet 95716, MedGen C1846632, MONDO:0011792, OMIM 607200.

Allele frequency attached by ClinVar (database versions not stated): gnomAD exomes 0.05435; 1000 Genomes Project 0.23023; TOPMed 0.24372; 1000 Genomes Project 30x 0.24656.
gnomAD v4.1: 34,009 of 152,118 alleles (22%); highest among the groups gnomAD compares: African/African-American, 57%; 7,464 homozygotes.

Submissions (2):

Illumina Laboratory Services, Illumina
Classification: Benign for Thyroid dyshormonogenesis 6. Last evaluated: 2018-01-13. Review status: criteria provided, single submitter. Criteria: ICSL Variant Classification Criteria 13 December 2019. Collection method: clinical testing. Allele origin: germline.
Comment: This variant was observed in the ICSL laboratory as part of a predisposition screen in an ostensibly healthy population. It had not been previously curated by ICSL or reported in the Human Gene Mutation Database (HGMD: prior to June 1st, 2018), and was therefore a candidate for classification through an automated scoring system. Utilizing variant allele frequency, disease prevalence and penetrance estimates, and inheritance mode, an automated score was calculated to assess if this variant is too frequent to cause the disease. Based on the score and internal cut-off values, a variant classified as benign is not then subjected to further curation. The score for this variant resulted in a classification of benign for this disease.

Breakthrough Genomics
Classification: Benign. Review status: criteria provided, single submitter. Criteria: ACMG Guidelines, 2015. Collection method: not provided. Allele origin: germline. Inheritance: Autosomal recessive inheritance. Affected: yes.